The following is an entry in ClinVar:

ClinVar aggregate classification (germline): Uncertain significance (1 of 4 stars; one submission).

Submission:

GeneDx
Classification: Uncertain significance. Last evaluated: 2024-06-06. Review status: criteria provided, single submitter. Criteria: GeneDx Variant Classification Process June 2021. Collection method: clinical testing. Allele origin: germline. Affected: yes.
Comment: Not observed at significant frequency in large population cohorts (gnomAD); In silico analysis supports that this missense variant has a deleterious effect on protein structure/function; Has not been previously published as pathogenic or benign to our knowledge

NM_001111125.3(IQSEC2):c.3397G>T (p.Asp1133Tyr)

Gene: IQSEC2 (IQ motif and Sec7 domain ArfGEF 2; minus strand). Cytogenetic location: Xp11.22.
Variant type: single nucleotide variant.
Coding change: c.3397G>T on transcript NM_001111125.3 (MANE Select); coding-DNA position 3397, G replaced by T.
Protein change: p.Asp1133Tyr; replaces aspartic acid 1133 with tyrosine.
Molecular consequence: missense variant.
Genome position (GRCh38, 1-based): chrX:53,236,376, C>A on the plus strand (G>T on the coding strand, the complement: IQSEC2 is on the minus strand). VCF-style: chrX-53236376-C-A. GRCh37 (hg19) VCF-style: chrX-53265558-C-A.
Other names: c.3397G>T, p.Asp1133Tyr (NM_001410736.1); c.2782G>T, p.Asp928Tyr (NM_015075.2); short protein forms D1133Y, D928Y.
Identifiers: ClinVar variation 3384640 (VCV003384640.1).
Genomic context (GRCh38, chrX:53,236,376, plus strand): 5'-GCTTACCTGCATCAGAGAGGTCTCGCAGGGAACTGCTGAGTGCGCCCCGTTTGAGCCCAT[C>A]GCCTGCCCCGTAAGTGTCCTCCAGGCTACTGCGGGCCATCGTCCCATTCACTGAGTCCTT-3'
Protein context (NP_001104595.1, residues 1123-1143): SSLEDTYGAG[Asp1133Tyr]GLKRGALSSS